The following is an entry in ClinVar:

ClinVar aggregate classification (germline): Likely pathogenic (1 of 4 stars; one submission).

Conditions:
Dilated cardiomyopathy 1G (CMD1G). Identifiers: Orphanet 154, MedGen C1858763, MONDO:0011400, OMIM 604145.
Autosomal recessive limb-girdle muscular dystrophy type 2J (LGMDR10). Also called: Limb-girdle muscular dystrophy, type 2J; MUSCULAR DYSTROPHY, LIMB-GIRDLE, AUTOSOMAL RECESSIVE 10. Identifiers: Orphanet 140922, MedGen C1837342, MONDO:0012127, OMIM 608807.

Allele frequency attached by ClinVar (database versions not stated): gnomAD exomes below 0.00001.
gnomAD v4.1: 1 of 1,612,556 alleles (0.000062%); highest among the groups gnomAD compares: Non-Finnish European, 0.000085%; no homozygotes.

Submission:

Labcorp Genetics (formerly Invitae), Labcorp
Classification: Likely pathogenic for Dilated cardiomyopathy 1G; Autosomal recessive limb-girdle muscular dystrophy type 2J. Last evaluated: 2024-11-21. Review status: criteria provided, single submitter. Criteria: Invitae Variant Classification Sherloc (09022015). Collection method: clinical testing. Allele origin: germline.
Comment: This sequence change creates a premature translational stop signal (p.Tyr16621*) in the TTN gene. While this is not anticipated to result in nonsense mediated decay, it is expected to create a truncated TTN protein. This variant is not present in population databases (gnomAD no frequency). This variant has not been reported in the literature in individuals affected with TTN-related conditions. ClinVar contains an entry for this variant (Variation ID: 1518621). Algorithms developed to predict the effect of sequence changes on RNA splicing suggest that this variant may disrupt the consensus splice site. This variant is located in the A band of TTN (PMID: 25589632). Truncating variants in this region are significantly overrepresented in patients affected with dilated cardiomyopathy (PMID: 25589632). Truncating variants in this region have also been reported in individuals affected with autosomal recessive centronuclear myopathy (PMID: 23975875). In summary, the currently available evidence indicates that the variant is pathogenic, but additional data are needed to prove that conclusively. Therefore, this variant has been classified as Likely Pathogenic.

Literature cited by the submitters: PubMed 25589632; PubMed 23975875.

NM_001267550.2(TTN):c.49863C>A (p.Tyr16621Ter)

Genes: TTN (titin; minus strand), TTN-AS1 (TTN antisense RNA 1; plus strand). Cytogenetic location: 2q31.2.
Variant type: single nucleotide variant.
Coding change: c.49863C>A on transcript NM_001267550.2 (MANE Select); coding-DNA position 49863, C replaced by A.
Protein change: p.Tyr16621Ter; replaces tyrosine 16621 with a stop codon.
Molecular consequence: nonsense.
Genome position (GRCh38, 1-based): chr2:178,612,858, G>T on the plus strand (C>A on the coding strand, the complement: TTN is on the minus strand). VCF-style: chr2-178612858-G-T. GRCh37 (hg19) VCF-style: chr2-179477585-G-T.
Other names: c.44940C>A, p.Tyr14980Ter (NM_001256850.1); c.22668C>A, p.Tyr7556Ter (NM_003319.4); c.42159C>A, p.Tyr14053Ter (NM_133378.4); c.23043C>A, p.Tyr7681Ter (NM_133432.3); c.23244C>A, p.Tyr7748Ter (NM_133437.4); short protein forms Y14053*, Y16621*, Y7556*, Y14980*, Y7681*, Y7748*.
Identifiers: ClinVar variation 1518621 (VCV001518621.6), dbSNP rs1553699440, ClinGen allele CA349600686.
Genomic context (GRCh38, chr2:178,612,858, plus strand): 5'-GTCACTGGGTTCACTGGGTTCACTTTCCCCAGCCTTATTCACAGCTCTAACTCGGAATGA[G>T]TATTCCTGTCCTTCCATGAGCCCTGGGAGCAAGTGCTGAGTGGTGGGAACCCCTTCCGCC-3'